The following is an entry in ClinVar:

ClinVar aggregate classification (germline): Uncertain significance (1 of 4 stars; one submission).

Conditions:
Bethlem myopathy 1A. Also called: Bethlem myopathy 1; Bethlem Muscular Dystrophy; MYOPATHY, BENIGN CONGENITAL, WITH CONTRACTURES. Identifiers: Orphanet 610, MedGen CN029274, MONDO:0024530, OMIM 158810.

Submission:

Labcorp Genetics (formerly Invitae), Labcorp
Classification: Uncertain significance for Bethlem myopathy 1A. Last evaluated: 2023-10-14. Review status: criteria provided, single submitter. Criteria: Invitae Variant Classification Sherloc (09022015). Collection method: clinical testing. Allele origin: germline.
Comment: This sequence change replaces cysteine, which is neutral and slightly polar, with arginine, which is basic and polar, at codon 607 of the COL6A1 protein (p.Cys607Arg). This variant is not present in population databases (gnomAD no frequency). This variant has not been reported in the literature in individuals affected with COL6A1-related conditions. Advanced modeling of protein sequence and biophysical properties (such as structural, functional, and spatial information, amino acid conservation, physicochemical variation, residue mobility, and thermodynamic stability) has been performed at Invitae for this missense variant, however the output from this modeling did not meet the statistical confidence thresholds required to predict the impact of this variant on COL6A1 protein function. In summary, the available evidence is currently insufficient to determine the role of this variant in disease. Therefore, it has been classified as a Variant of Uncertain Significance.

NM_001848.3(COL6A1):c.1819T>C (p.Cys607Arg)

Gene: COL6A1 (collagen type VI alpha 1 chain; plus strand). Cytogenetic location: 21q22.3.
Variant type: single nucleotide variant.
Coding change: c.1819T>C on transcript NM_001848.3 (MANE Select); coding-DNA position 1819, T replaced by C.
Protein change: p.Cys607Arg; replaces cysteine 607 with arginine.
Molecular consequence: missense variant.
Genome position (GRCh38, 1-based): chr21:46,000,764, T>C. VCF-style: chr21-46000764-T-C. GRCh37 (hg19) VCF-style: chr21-47420678-T-C.
Other names: short protein forms C607R.
Identifiers: ClinVar variation 2768417 (VCV002768417.3), dbSNP rs2526345868, ClinGen allele CA410532620.